The following is an entry in ClinVar:

ClinVar aggregate classification (germline): Uncertain significance (1 of 4 stars; one submission).

Allele frequency attached by ClinVar (database versions not stated): gnomAD exomes below 0.00001.
gnomAD v4.1: 2 of 1,614,184 alleles (0.00012%); highest among the groups gnomAD compares: Non-Finnish European, 0.00017%; no homozygotes.

Submission:

Labcorp Genetics (formerly Invitae), Labcorp
Classification: Uncertain significance. Last evaluated: 2022-06-16. Review status: criteria provided, single submitter. Criteria: Invitae Variant Classification Sherloc (09022015). Collection method: clinical testing. Allele origin: germline.
Comment: In summary, the available evidence is currently insufficient to determine the role of this variant in disease. Therefore, it has been classified as a Variant of Uncertain Significance. Advanced modeling of protein sequence and biophysical properties (such as structural, functional, and spatial information, amino acid conservation, physicochemical variation, residue mobility, and thermodynamic stability) performed at Invitae indicates that this missense variant is not expected to disrupt ARID1A protein function. This variant has not been reported in the literature in individuals affected with ARID1A-related conditions. This variant is not present in population databases (gnomAD no frequency). This sequence change replaces alanine, which is neutral and non-polar, with threonine, which is neutral and polar, at codon 1441 of the ARID1A protein (p.Ala1441Thr).

NM_006015.6(ARID1A):c.4321G>A (p.Ala1441Thr)

Gene: ARID1A (AT-rich interaction domain 1A; plus strand). Cytogenetic location: 1p36.11.
Variant type: single nucleotide variant.
Coding change: c.4321G>A on transcript NM_006015.6 (MANE Select); coding-DNA position 4321, G replaced by A.
Protein change: p.Ala1441Thr; replaces alanine 1441 with threonine.
Molecular consequence: missense variant. On other transcripts: intron variant (1).
Genome position (GRCh38, 1-based): chr1:26,774,548, G>A. VCF-style: chr1-26774548-G-A. GRCh37 (hg19) VCF-style: chr1-27101039-G-A.
Other names: c.4102-432G>A (NM_139135.4); short protein forms A1441T.
Identifiers: ClinVar variation 2007163 (VCV002007163.4), dbSNP rs2124118530, ClinGen allele CA339174496.